The following is an entry in ClinVar:

NM_000517.6(HBA2):c.379G>A (p.Asp127Asn)

Genes: HBA2 (hemoglobin subunit alpha 2; plus strand), LOC106804612 (hemoglobin subunit alpha 2 recombination region; plus strand). Cytogenetic location: 16p13.3.
Variant type: single nucleotide variant.
Coding change: c.379G>A on transcript NM_000517.6 (MANE Select); coding-DNA position 379, G replaced by A.
Protein change: p.Asp127Asn; replaces aspartic acid 127 with asparagine.
Molecular consequence: missense variant.
Genome position (GRCh38, 1-based): chr16:173,550, G>A. VCF-style: chr16-173550-G-A. GRCh37 (hg19) VCF-style: chr16-223549-G-A.
Other names: D126N; short protein forms D127N.
Identifiers: ClinVar variation 15662 (VCV000015662.24), dbSNP rs33933481, ClinGen allele CA125612.

ClinVar aggregate classification (germline): Conflicting classifications of pathogenicity. Review status: criteria provided, conflicting classifications (1 of 4 stars). 7 submissions from 7 submitters: Pathogenic (3); Likely pathogenic (2); Uncertain significance (1). 1 of the submissions does not count toward it. Last evaluated 2025-06-18.

Conditions:
Erythrocytosis, familial, 7. Also called: ERYTHROCYTOSIS, ALPHA-GLOBIN TYPE; POLYCYTHEMIA, ALPHA-GLOBIN TYPE; ERYTHROCYTOSIS 7. Identifiers: MedGen C4693823, MONDO:0054802, OMIM 617981.
Heinz body anemia. Also called: Heinz body hemolytic anemia. Identifiers: Orphanet 178330, MedGen C0700299, MONDO:0007705, OMIM 140700, HP:0005511.
Hemoglobin H disease (HBH). Also called: Hemoglobin H (HbH) Disease; HEMOGLOBIN H DISEASE, DELETIONAL; ALPHA-THALASSEMIA, HEMOGLOBIN H TYPE. Identifiers: Orphanet 93616, MedGen C3161174, MONDO:0013512, OMIM 613978. Disease mechanism: loss of function.
alpha Thalassemia. Also called: Alpha thalassemia spectrum. Identifiers: Orphanet 846, MedGen C0002312, MONDO:0011399, OMIM 604131.
HEMOGLOBIN TARRANT.

Allele frequency attached by ClinVar (database versions not stated): gnomAD exomes below 0.00001; TOPMed 0.00001.
gnomAD v4.1: 2 of 1,607,816 alleles (0.00012%); highest among the groups gnomAD compares: East Asian, 0.0022%; no homozygotes.

Submissions (7):

GeneDx
Classification: Likely pathogenic. Last evaluated: 2025-06-18. Review status: criteria provided, single submitter. Criteria: GeneDx Variant Classification Process June 2021. Collection method: clinical testing. Allele origin: germline. Affected: yes.
Comment: Not observed at significant frequency in large population cohorts (gnomAD); In silico analysis supports that this missense variant has a deleterious effect on protein structure/function; Also known as Hb Tarrant; This variant is associated with the following publications: (PMID: 31553106, 7092797, 27207683, 13856, 10490145, 7019159, 27240426)

ARUP Laboratories, Molecular Genetics and Genomics, ARUP Laboratories
Classification: Pathogenic. Last evaluated: 2024-11-08. Review status: criteria provided, single submitter. Criteria: ARUP Molecular Germline Variant Investigation Process 2024. Collection method: clinical testing. Allele origin: germline.
Comment: The Hb Tarrant variant (HBA2: c.379G>A; p.Asp127Asn, also known as Asp126Asn when numbered from the mature protein, rs33933481, HbVar ID: 188) has been described in healthy individuals or individuals with mild erythrocytosis as a heterozygote and more severe erythrocytosis as a homozygote (Ibarra 1981, Ip 2016, HbVar database). The aspartate at residue 127 is located at the alpha1-alpha2 interface and forms salt bridges with Arg142 on the opposite dimer (Wajcman 2005). Variants in this region commonly lead to high oxygen affinity and reduced cooperativity (Wajcman 2005), which has been observed for the Hb Tarrant variant (Moo-Penn 1977). This variant is reported in ClinVar (Variation ID: 15662) and is found on a single chromosome in the Genome Aggregation Database, indicating it is not a common polymorphism. Based on available information, this variant is considered to be pathogenic dominant for mild erythrocytosis. References: Link to variant in HbVar database: Ibarra B et al. Heterozygosity and homozygosity for the high oxygen affinity hemoglobin Tarrant or alpha 126 (H9) Asp replaced by Asn in two Mexican families. Hemoglobin. 1981;5(4):337-48. PMID: 7019159. Ip KL et al. Hb Tarrant (a126(H9)Asp?Asn; HBA2: c.379G?>?A (or HBA1)) in a Chinese Family as a Cause of Familial Erythrocytosis. Hemoglobin. 2016 Aug;40(4):260-3. PMID: 27240426. Moo-Penn WF et al. Hemoglobin Tarrant: alpha126(H9) Asp leads to Asn. A new hemoglobin variant in the alpha1beta1 contact region showing high oxygen affinity and reduced cooperativity. Biochim Biophys Acta. 1977 Feb 22;490(2):443-51. PMID: 13856. Wajcman H et al. Hemoglobins with high oxygen affinity leading to erythrocytosis. New variants and new concepts. Hemoglobin. 2005;29(2):91-106. PMID: 15921161.

Quest Diagnostics Nichols Institute San Juan Capistrano
Classification: Pathogenic. Last evaluated: 2024-10-29. Review status: criteria provided, single submitter. Criteria: Quest Diagnostics criteria. Collection method: clinical testing. Allele origin: unknown.
Comment: The HBA2 c.379G>A (p.Asp127Asn) variant has been reported to have normal stability and increased oxygen affinity. Heterozygosity for this variant is associated with mild erythrocytosis. Erythrocytosis is more severe in individuals who are homozygous for this variant (see HbVar, and PMID: 13856 (1977), 7019159 (1981), 10490145 (1999), 27240426 (2016)). The frequency of this variant in the general population, 0.000004 (1/248750 chromosomes (Genome Aggregation Database)), is consistent with pathogenicity. Analysis of this variant using bioinformatics tools for the prediction of the effect of amino acid changes on protein structure and function yielded predictions that this variant is damaging. Based on the available information, this variant is classified as pathogenic.

Women's Health and Genetics/Laboratory Corporation of America, LabCorp
Classification: Uncertain significance. Last evaluated: 2024-05-30. Review status: criteria provided, single submitter. Criteria: LabCorp Variant Classification Summary - May 2015. Collection method: clinical testing. Allele origin: germline.
Comment: Variant summary: HBA2 c.379G>A (p.Asp127Asn) results in a conservative amino acid change located in the globin domain (IPR000971) of the encoded protein sequence. Four of five in-silico tools predict a damaging effect of the variant on protein function. The variant allele was found at a frequency of 4e-06 in 248750 control chromosomes. The available data on variant occurrences in the general population are insufficient to allow any conclusion about variant significance. c.379G>A has been reported in the literature in five families with several heterozygous individuals who were clinically asymptomatic with mild erythrocytosis on hemoglobin analysis and one homozygous individual whose only hematologic finding was moderate erythrocytosis by hemoglobin analysis (e.g. Schroeder_1982, Moo-Penn_1977, Ibarra_1981, Ip_2016). These report(s) do not provide unequivocal conclusions about association of the variant with Alpha Thalassemia. At least one publication reports that this variant results in increased oxygen affinity and low cooperativity (e.g. Moon-Penn_1977). This variant is also known as HB Tarrant. The following publications have been ascertained in the context of this evaluation (PMID: 7019159, 27240426, 13856, 7092797). ClinVar contains an entry for this variant (Variation ID: 15662). Based on the evidence outlined above, the variant was classified as uncertain significance for alpha thalassemia.

Fulgent Genetics
Classification: Likely pathogenic for Heinz body anemia; alpha Thalassemia; Hemoglobin H disease; Erythrocytosis, familial, 7. Last evaluated: 2024-05-29. Review status: criteria provided, single submitter. Criteria: ACMG Guidelines, 2015. Collection method: clinical testing. Allele origin: germline.

Revvity Omics, Revvity
Classification: Pathogenic. Last evaluated: 2021-09-02. Review status: criteria provided, single submitter. Criteria: ACMG Guidelines, 2015. Collection method: clinical testing. Allele origin: germline.

OMIM
Classification: other for HEMOGLOBIN TARRANT. Last evaluated: 2013-03-28. Review status: no assertion criteria provided. Collection method: literature only. Allele origin: germline. Not counted in ClinVar's aggregate classification.

Literature cited by the submitters: PubMed 31553106 (cited by Quest Diagnostics Nichols Institute San Juan Capistrano); PubMed 13856 (cited by 3 submitters); PubMed 10490145 (cited by Quest Diagnostics Nichols Institute San Juan Capistrano and OMIM); PubMed 7019159 (cited by Quest Diagnostics Nichols Institute San Juan Capistrano and Women's Health and Genetics/Laboratory Corporation of America, LabCorp); PubMed 27240426 (cited by Quest Diagnostics Nichols Institute San Juan Capistrano and Women's Health and Genetics/Laboratory Corporation of America, LabCorp); PubMed 7092797 (cited by Women's Health and Genetics/Laboratory Corporation of America, LabCorp).